The following is an entry in ClinVar:

ClinVar aggregate classification (germline): Uncertain significance (1 of 4 stars; one submission).

gnomAD v4.1: 1 of 1,613,950 alleles (0.000062%); highest among the groups gnomAD compares: African/African-American, 0.0013%; no homozygotes.

Submission:

Dasa
Classification: Uncertain significance. Last evaluated: 2026-05-26. Review status: criteria provided, single submitter. Criteria: DASA Assertion Criteria. Collection method: clinical testing. Allele origin: germline.
Comment: NM_004947.5(DOCK3):c.2428G>A (p.Glu810Lys) is a missense variant that results in the substitution of glutamic acid with lysine. This variant is rare in population databases. The currently available literature and clinical evidence are not sufficient to establish a definitive association between this variant and the reported condition. Therefore, this variant is classified as a variant of uncertain significance.

NM_004947.5(DOCK3):c.2428G>A (p.Glu810Lys)

Gene: DOCK3 (dedicator of cytokinesis 3; plus strand). Cytogenetic location: 3p21.2.
Variant type: single nucleotide variant.
Coding change: c.2428G>A on transcript NM_004947.5 (MANE Select); coding-DNA position 2428, G replaced by A.
Protein change: p.Glu810Lys; replaces glutamic acid 810 with lysine.
Molecular consequence: missense variant.
Genome position (GRCh38, 1-based): chr3:51,270,887, G>A. VCF-style: chr3-51270887-G-A. GRCh37 (hg19) VCF-style: chr3-51308318-G-A.
Other names: short protein forms E810K.
Identifiers: ClinVar variation 5020482 (VCV005020482.1).